The following is an entry in ClinVar:

NM_001458.5(FLNC):c.61A>G (p.Met21Val)

Gene: FLNC (filamin C; plus strand). Cytogenetic location: 7q32.1.
Variant type: single nucleotide variant.
Coding change: c.61A>G on transcript NM_001458.5 (MANE Select); coding-DNA position 61, A replaced by G.
Protein change: p.Met21Val; replaces methionine 21 with valine.
Molecular consequence: missense variant.
Genome position (GRCh38, 1-based): chr7:128,830,698, A>G. VCF-style: chr7-128830698-A-G. GRCh37 (hg19) VCF-style: chr7-128470752-A-G.
Other names: c.61A>G (NM_001458.4); c.61A>G, p.Met21Val (NM_001127487.2); short protein forms M21V.
Identifiers: ClinVar variation 1057561 (VCV001057561.11), dbSNP rs1174042673, ClinGen allele CA369215556.

ClinVar aggregate classification (germline): Conflicting classifications of pathogenicity. Review status: criteria provided, conflicting classifications (1 of 4 stars). 2 submissions from 2 submitters: Uncertain significance (1); Likely benign (1). Last evaluated 2025-11-27.

Conditions:
Hypertrophic cardiomyopathy 26. Also called: Cardiomyopathy, familial hypertrophic, 26. Identifiers: Orphanet 75249, MedGen C4310749, MONDO:0014883, OMIM 617047.
Distal myopathy with posterior leg and anterior hand involvement. Also called: WILLIAMS DISTAL MYOPATHY. Identifiers: Orphanet 63273, MedGen C3279722, MONDO:0013550, OMIM 614065.
Myofibrillar myopathy 5. Also called: Filaminopathy (type); FILAMINOPATHY, AUTOSOMAL DOMINANT. Identifiers: Orphanet 171445, MedGen C1836050, MONDO:0012289, OMIM 609524.
Cardiovascular phenotype. Identifiers: MedGen CN230736.

Allele frequency attached by ClinVar (database versions not stated): gnomAD exomes below 0.00001 and 0.00001; gnomAD 0.00001; TOPMed 0.00002.
gnomAD v4.1: 9 of 1,612,760 alleles (0.00056%); highest among the groups gnomAD compares: Admixed American, 0.005%; no homozygotes.

Submissions (2):

Labcorp Genetics (formerly Invitae), Labcorp
Classification: Likely benign for Distal myopathy with posterior leg and anterior hand involvement; Myofibrillar myopathy 5; Hypertrophic cardiomyopathy 26. Last evaluated: 2025-11-27. Review status: criteria provided, single submitter. Criteria: Invitae Variant Classification Sherloc (09022015). Collection method: clinical testing. Allele origin: germline.

Ambry Genetics
Classification: Uncertain significance for Cardiovascular phenotype. Last evaluated: 2023-06-30. Review status: criteria provided, single submitter. Criteria: Ambry Variant Classification Scheme 2023. Collection method: clinical testing. Allele origin: germline.
Comment: The p.M21V variant (also known as c.61A>G), located in coding exon 1 of the FLNC gene, results from an A to G substitution at nucleotide position 61. The methionine at codon 21 is replaced by valine, an amino acid with highly similar properties. This amino acid position is conserved. In addition, this alteration is predicted to be tolerated by in silico analysis. Since supporting evidence is limited at this time, the clinical significance of this alteration remains unclear.